The following is an entry in ClinVar:

NM_000179.3(MSH6):c.4002-13_4002-10del

Gene: MSH6 (mutS homolog 6; plus strand). Cytogenetic location: 2p16.3.
Variant type: Deletion.
Coding change: c.4002-13_4002-10del on transcript NM_000179.3 (MANE Select); 13 bases into the intron before coding-DNA position 4002 through 10 bases into the intron before coding-DNA position 4002, 4 bases deleted (TTTT; older notation c.4002-13_4002-10delTTTT).
Molecular consequence: intron variant.
Genome position (GRCh38, 1-based): chr2:47,806,766-47,806,769, TTTT deleted; deleting any 4 consecutive bases within chr2:47,806,752-47,806,769 gives the same sequence; the c. name uses the placement nearest the transcript's 3' end. VCF-style (leftmost placement, unchanged base first): chr2-47806751-CTTTT-C. GRCh37 (hg19) VCF-style: chr2-48033890-CTTTT-C.
Other names: c.3096-13_3096-10del (NM_001281493.2, NM_001281494.2); c.3612-13_3612-10del (NM_001281492.2); c.4002-13_4002-10del (NM_000179.2); c.4002-13_4002-10delTTTT (NM_000179.3).
Identifiers: ClinVar variation 1802702 (VCV001802702.10), dbSNP rs59056100, ClinGen allele CA072652.

ClinVar aggregate classification (germline): Conflicting classifications of pathogenicity. Review status: criteria provided, conflicting classifications (1 of 4 stars). 3 submissions from 3 submitters: Uncertain significance (1); Benign (1); Likely benign (1). Last evaluated 2025-07-30.

Conditions:
Breast and/or ovarian cancer. Identifiers: MedGen CN221562.

Submissions (3):

Quest Diagnostics Nichols Institute San Juan Capistrano
Classification: Uncertain significance. Last evaluated: 2025-07-30. Review status: criteria provided, single submitter. Criteria: Quest Diagnostics criteria. Collection method: clinical testing. Allele origin: unknown.
Comment: The MSH6 c.4002-13_4002-10del variant has been reported in the published literature in a cohort of individuals with suspected Lynch syndrome (PMID: 31822864 (2020)). The frequency of this variant in the general population (Genome Aggregation Database) is uninformative in the assessment of its pathogenicity. Analysis of this variant using software algorithms for the prediction of the effect of nucleotide changes on splicing yielded predictions that this variant does not affect MSH6 mRNA splicing. Based on the available information, we are unable to determine the clinical significance of this variant.

Center for Genomic Medicine, Rigshospitalet, Copenhagen University Hospital
Classification: Benign. Last evaluated: 2025-03-04. Review status: criteria provided, single submitter. Criteria: ACMG Guidelines, 2015. Collection method: clinical testing. Allele origin: germline.

CHEO Genetics Diagnostic Laboratory, Children's Hospital of Eastern Ontario
Classification: Likely benign for Breast and/or ovarian cancer. Last evaluated: 2023-06-09. Review status: criteria provided, single submitter. Criteria: ACMG Guidelines, 2015. Collection method: clinical testing. Allele origin: germline.

Literature cited by the submitters: PubMed 31822864 (cited by Quest Diagnostics Nichols Institute San Juan Capistrano).